The following is an entry in ClinVar:

NM_004667.6(HERC2):c.7307C>T (p.Thr2436Met)

Gene: HERC2 (HECT and RLD domain containing E3 ubiquitin protein ligase 2; minus strand). Cytogenetic location: 15q13.1.
Variant type: single nucleotide variant.
Coding change: c.7307C>T on transcript NM_004667.6 (MANE Select); coding-DNA position 7307, C replaced by T.
Protein change: p.Thr2436Met; replaces threonine 2436 with methionine.
Molecular consequence: missense variant.
Genome position (GRCh38, 1-based): chr15:28,202,520, G>A on the plus strand (C>T on the coding strand, the complement: HERC2 is on the minus strand). VCF-style: chr15-28202520-G-A. GRCh37 (hg19) VCF-style: chr15-28447666-G-A.
Other names: short protein forms T2436M.
Identifiers: ClinVar variation 1315929 (VCV001315929.3), dbSNP rs1208783423, ClinGen allele CA391396171.

ClinVar aggregate classification (germline): Uncertain significance (1 of 4 stars; one submission).

Allele frequency attached by ClinVar (database versions not stated): gnomAD 0.00001.
gnomAD v4.1: 10 of 1,181,044 alleles (0.00085%); highest among the groups gnomAD compares: East Asian, 0.012%; no homozygotes.

Submission:

GeneDx
Classification: Uncertain significance. Last evaluated: 2024-07-26. Review status: criteria provided, single submitter. Criteria: GeneDx Variant Classification Process June 2021. Collection method: clinical testing. Allele origin: germline. Affected: yes.
Comment: In silico analysis, which includes protein predictors and evolutionary conservation, supports that this variant does not alter protein structure/function; Has not been previously published as pathogenic or benign to our knowledge